The following is an entry in ClinVar:

NM_001199107.2(TBC1D24):c.459G>C (p.Glu153Asp)

Gene: TBC1D24 (TBC1 domain family member 24; plus strand). Cytogenetic location: 16p13.3.
Variant type: single nucleotide variant.
Coding change: c.459G>C on transcript NM_001199107.2 (MANE Select); coding-DNA position 459, G replaced by C.
Protein change: p.Glu153Asp; replaces glutamic acid 153 with aspartic acid.
Molecular consequence: missense variant.
Genome position (GRCh38, 1-based): chr16:2,496,607, G>C. VCF-style: chr16-2496607-G-C. GRCh37 (hg19) VCF-style: chr16-2546608-G-C.
Other names: c.459G>C, p.Glu153Asp (NM_020705.3); short protein forms E153D.
Identifiers: ClinVar variation 1043699 (VCV001043699.9), dbSNP rs1169312508, ClinGen allele CA394376096.

ClinVar aggregate classification (germline): Uncertain significance (1 of 4 stars; one submission).

Conditions:
Caused by mutation in the TBC1 domain family, member 24.
Developmental and epileptic encephalopathy, 1 (DEE1). Also called: X-linked infantile spasms; West's syndrome; Tonic spasms with clustering, arrest of psychomotor development and hypsarrhythmia on EEG; X-Linked Infantile Spasm Syndrome; OHTAHARA SYNDROME, X-LINKED; Epileptic encephalopathy, early infantile, 1. Identifiers: MedGen C3463992, MONDO:0010632, OMIM 308350. Disease mechanism: loss of function.
Autosomal dominant nonsyndromic hearing loss 65. Also called: Deafness, autosomal dominant 65; TBC1D24-Related Autosomal Dominant Nonsyndromic Hearing Loss (DFNA). Identifiers: Orphanet 90635, MedGen C3892048, MONDO:0014470, OMIM 616044.

gnomAD v4.1: 1 of 1,610,774 alleles (0.000062%); highest among the groups gnomAD compares: Non-Finnish European, 0.000085%; no homozygotes.

Submission:

Labcorp Genetics (formerly Invitae), Labcorp
Classification: Uncertain significance for Developmental and epileptic encephalopathy, 1; Autosomal dominant nonsyndromic hearing loss 65. Last evaluated: 2021-08-31. Review status: criteria provided, single submitter. Criteria: Invitae Variant Classification Sherloc (09022015). Collection method: clinical testing. Allele origin: germline.
Comment: This sequence change replaces glutamic acid with aspartic acid at codon 153 of the TBC1D24 protein (p.Glu153Asp). The glutamic acid residue is highly conserved and there is a small physicochemical difference between glutamic acid and aspartic acid. This variant is not present in population databases (ExAC no frequency). This variant has not been reported in the literature in individuals affected with TBC1D24-related conditions. Algorithms developed to predict the effect of missense changes on protein structure and function are either unavailable or do not agree on the potential impact of this missense change (SIFT: "Deleterious"; PolyPhen-2: "Probably Damaging"; Align-GVGD: "Class C0"). This variant disrupts the p.Glu153 amino acid residue in TBC1D24. Other variant(s) that disrupt this residue have been determined to be pathogenic (PMID: 25769375, 26371875, 28428906). This suggests that this residue is clinically significant, and that variants that disrupt this residue are likely to be disease-causing. In summary, the available evidence is currently insufficient to determine the role of this variant in disease. Therefore, it has been classified as a Variant of Uncertain Significance.

Literature cited by the submitters: PubMed 25769375; PubMed 26371875; PubMed 28428906.